The following is an entry in ClinVar:

ClinVar aggregate classification (germline): Likely benign (1 of 4 stars; one submission).

Conditions:
Chudley-McCullough syndrome (CMCS). Also called: Deafness, autosomal recessive 82; DEAFNESS, SENSORINEURAL, WITH PARTIAL AGENESIS OF THE CORPUS CALLOSUM AND ARACHNOID CYSTS. Identifiers: Orphanet 314597, MedGen C1858695, MONDO:0011411, OMIM 604213.

Allele frequency attached by ClinVar (database versions not stated): 1000 Genomes Project 0.03375; 1000 Genomes Project 30x 0.03420; TOPMed 0.02986; gnomAD 0.02729.

Submission:

Illumina Laboratory Services, Illumina
Classification: Likely benign for Chudley-McCullough syndrome. Last evaluated: 2017-04-27. Review status: criteria provided, single submitter. Criteria: ICSL Variant Classification Criteria 13 December 2019. Collection method: clinical testing. Allele origin: germline.
Comment: This variant was observed as part of a predisposition screen in an ostensibly healthy population. A literature search was performed for the gene, cDNA change, and amino acid change (where applicable). No publications were found based on this search. Allele frequency data from public databases allowed determination this variant is unlikely to cause disease. Therefore, this variant is classified as likely benign.

NM_013296.5(GPSM2):c.-429C>T

Genes: GPSM2 (G protein signaling modulator 2; plus strand), LOC129931083 (ATAC-STARR-seq lymphoblastoid silent region 1138; plus strand). Cytogenetic location: 1p13.3.
Variant type: single nucleotide variant.
Coding change: c.-429C>T on transcript NM_013296.5 (MANE Select); 429 bases upstream of the start codon, C replaced by T.
Molecular consequence: 5 prime UTR variant.
Genome position (GRCh38, 1-based): chr1:108,877,048, C>T. VCF-style: chr1-108877048-C-T. GRCh37 (hg19) VCF-style: chr1-109419670-C-T.
Other names: c.-197C>T (NM_001321038.2); c.-429C>T (NM_001321039.3).
Identifiers: ClinVar variation 291692 (VCV000291692.5), dbSNP rs115082541, ClinGen allele CA10607341.